The following is an entry in ClinVar:

ClinVar aggregate classification (germline): Uncertain significance (1 of 4 stars; one submission).

Conditions:
Dyskeratosis congenita, autosomal recessive 6 (DKCB6). Identifiers: MedGen C4225356, MONDO:0014600, OMIM 616353.
Pulmonary fibrosis and/or bone marrow failure, Telomere-related, 4. Also called: PULMONARY FIBROSIS AND/OR BONE MARROW FAILURE SYNDROME, TELOMERE-RELATED, 4. Identifiers: Orphanet 2032, MedGen C4225347, MONDO:0014612, OMIM 616371.

Submission:

Labcorp Genetics (formerly Invitae), Labcorp
Classification: Uncertain significance for Dyskeratosis congenita, autosomal recessive 6; Pulmonary fibrosis and/or bone marrow failure, Telomere-related, 4. Last evaluated: 2024-01-19. Review status: criteria provided, single submitter. Criteria: Invitae Variant Classification Sherloc (09022015). Collection method: clinical testing. Allele origin: unknown.
Comment: This variant results in a copy number gain of the genomic region encompassing exon(s) 23-24 of the PARN gene. This region includes the termination codon of the gene. This copy number gain extends beyond the assayed region for this gene and therefore may encompass additional genes. As the precise location of this event is unknown, it may be in tandem or it may be located elsewhere in the genome. This variant has not been reported in the literature in individuals affected with PARN-related conditions. Experimental studies and prediction algorithms are not available or were not evaluated, and the functional significance of this variant is currently unknown. In summary, the available evidence is currently insufficient to determine the role of this variant in disease. Therefore, it has been classified as a Variant of Uncertain Significance.

NC_000016.9:g.(?_14530574)_(14540958_?)dup

Gene: PARN (poly(A)-specific ribonuclease; minus strand). Cytogenetic location: 16p13.12.
Variant type: Duplication.
Identifiers: ClinVar variation 3243544 (VCV003243544.1).